The following is an entry in ClinVar:

ClinVar aggregate classification (germline): Uncertain significance (1 of 4 stars; one submission).

Allele frequency attached by ClinVar (database versions not stated): gnomAD exomes below 0.00001.
gnomAD v4.1: 1 of 1,614,066 alleles (0.000062%); highest among the groups gnomAD compares: South Asian, 0.0011%; no homozygotes.

Submission:

Labcorp Genetics (formerly Invitae), Labcorp
Classification: Uncertain significance. Last evaluated: 2021-09-01. Review status: criteria provided, single submitter. Criteria: Invitae Variant Classification Sherloc (09022015). Collection method: clinical testing. Allele origin: germline.
Comment: This sequence change replaces serine with proline at codon 1194 of the ELP1 protein (p.Ser1194Pro). The serine residue is moderately conserved and there is a moderate physicochemical difference between serine and proline. This variant is not present in population databases (ExAC no frequency). This variant has not been reported in the literature in individuals affected with ELP1-related conditions. Algorithms developed to predict the effect of missense changes on protein structure and function are either unavailable or do not agree on the potential impact of this missense change (SIFT: "Tolerated"; PolyPhen-2: "Probably Damaging"; Align-GVGD: "Class C0"). In summary, the available evidence is currently insufficient to determine the role of this variant in disease. Therefore, it has been classified as a Variant of Uncertain Significance.

NM_003640.5(ELP1):c.3580T>C (p.Ser1194Pro)

Gene: ELP1 (elongator acetyltransferase complex subunit 1; minus strand). Cytogenetic location: 9q31.3.
Variant type: single nucleotide variant.
Coding change: c.3580T>C on transcript NM_003640.5 (MANE Select); coding-DNA position 3580, T replaced by C.
Protein change: p.Ser1194Pro; replaces serine 1194 with proline.
Molecular consequence: missense variant.
Genome position (GRCh38, 1-based): chr9:108,878,743, A>G on the plus strand (T>C on the coding strand, the complement: ELP1 is on the minus strand). VCF-style: chr9-108878743-A-G. GRCh37 (hg19) VCF-style: chr9-111641023-A-G.
Other names: c.3238T>C, p.Ser1080Pro (NM_001318360.2); c.2533T>C, p.Ser845Pro (NM_001330749.2); short protein forms S1194P, S1080P, S845P.
Identifiers: ClinVar variation 1345364 (VCV001345364.5), dbSNP rs2118936313, ClinGen allele CA374411474.
Genomic context (GRCh38, chr9:108,878,743, plus strand): 5'-CCAGCGGACTGCCTTCTTTGAGGCTGTGCTTCTTCCGCTCCGCTTTTCGGCGATTCTTGG[A>G]TGATCTCCTGTTAGAAATTACACAGATATTTTTAAGCCTCCTGAGTAGCTAGGACTACAG-3'
Protein context (NP_003631.2, residues 1184-1204): HSNSRISARS[Ser1194Pro]KNRRKAERKK